The following is an entry in ClinVar:

NM_153603.4(COG7):c.1852G>A (p.Ala618Thr)

Gene: COG7 (component of oligomeric golgi complex 7; minus strand). Cytogenetic location: 16p12.2.
Variant type: single nucleotide variant.
Coding change: c.1852G>A on transcript NM_153603.4 (MANE Select); coding-DNA position 1852, G replaced by A.
Protein change: p.Ala618Thr; replaces alanine 618 with threonine.
Molecular consequence: missense variant.
Genome position (GRCh38, 1-based): chr16:23,398,081, C>T on the plus strand (G>A on the coding strand, the complement: COG7 is on the minus strand). VCF-style: chr16-23398081-C-T. GRCh37 (hg19) VCF-style: chr16-23409402-C-T.
Other names: short protein forms A618T.
Identifiers: ClinVar variation 318467 (VCV000318467.23), dbSNP rs145412851, ClinGen allele CA7960855.

ClinVar aggregate classification (germline): Benign/Likely benign. Review status: criteria provided, multiple submitters, no conflicts (2 of 4 stars). 7 submissions from 7 submitters: Benign (3); Likely benign (4). Last evaluated 2026-05-01.

Conditions:
Inborn genetic diseases. Identifiers: MedGen C0950123, MeSH D030342.
COG7 congenital disorder of glycosylation (CDG2E). Also called: CONGENITAL DISORDER OF GLYCOSYLATION, TYPE IIe; CDG IIe. Identifiers: Orphanet 79333, MedGen C2931010, MONDO:0012118, OMIM 608779.
COG7-related disorder. Also called: COG7-related condition.

Allele frequency attached by ClinVar (database versions not stated): gnomAD 0.00031 and 0.00065; ESP Exome Variant Server 0.00038; TOPMed 0.00042; gnomAD exomes 0.00097 and 0.00170; ExAC 0.00181; 1000 Genomes Project 30x 0.00187; 1000 Genomes Project 0.00220.
gnomAD v4.1: 1,518 of 1,614,144 alleles (0.094%); highest among the groups gnomAD compares: South Asian, 1.1%; 16 homozygotes.

Submissions (7):

CeGaT Center for Human Genetics Tuebingen
Classification: Benign. Last evaluated: 2026-05-01. Review status: criteria provided, single submitter. Criteria: CeGaT Center For Human Genetics Tuebingen Variant Classification Criteria Version 2. Collection method: clinical testing. Allele origin: germline. Affected: yes. Observed: 1 variant allele.
Comment: COG7: BP4, BS1, BS2

Labcorp Genetics (formerly Invitae), Labcorp
Classification: Benign for COG7 congenital disorder of glycosylation. Last evaluated: 2026-01-20. Review status: criteria provided, single submitter. Criteria: Invitae Variant Classification Sherloc (09022015). Collection method: clinical testing. Allele origin: germline.

PreventionGenetics, part of Exact Sciences
Classification: Benign for COG7-related condition. Last evaluated: 2024-12-30. Review status: criteria provided, single submitter. Criteria: ACMG Guidelines, 2015. Collection method: clinical testing. Allele origin: germline.
Comment: This variant is classified as benign based on ACMG/AMP sequence variant interpretation guidelines (Richards et al. 2015 PMID: 25741868, with internal and published modifications).

Ambry Genetics
Classification: Likely benign for Inborn genetic diseases. Last evaluated: 2023-01-26. Review status: criteria provided, single submitter. Criteria: Ambry Variant Classification Scheme 2023. Collection method: clinical testing. Allele origin: germline.

Fulgent Genetics
Classification: Likely benign for COG7 congenital disorder of glycosylation. Last evaluated: 2021-09-01. Review status: criteria provided, single submitter. Criteria: ACMG Guidelines, 2015. Collection method: clinical testing. Allele origin: unknown.

Illumina Laboratory Services, Illumina
Classification: Likely benign for COG7 congenital disorder of glycosylation. Last evaluated: 2018-01-13. Review status: criteria provided, single submitter. Criteria: ICSL Variant Classification Criteria 13 December 2019. Collection method: clinical testing. Allele origin: germline.
Comment: This variant was observed in the ICSL laboratory as part of a predisposition screen in an ostensibly healthy population. It had not been previously curated by ICSL or reported in the Human Gene Mutation Database (HGMD: prior to June 1st, 2018), and was therefore a candidate for classification through an automated scoring system. Utilizing variant allele frequency, disease prevalence and penetrance estimates, and inheritance mode, an automated score was calculated to assess if this variant is too frequent to cause the disease. Based on the score and internal cut-off values, a variant classified as likely benign is not then subjected to further curation. The score for this variant resulted in a classification of likely benign for this disease.

Breakthrough Genomics
Classification: Likely benign. Review status: criteria provided, single submitter. Criteria: ACMG Guidelines, 2015. Collection method: not provided. Allele origin: germline. Inheritance: Autosomal recessive inheritance. Affected: yes.